The following is an entry in ClinVar:

NM_001142800.2(EYS):c.8650T>A (p.Cys2884Ser)

Genes: EYS (EGF-like photoreceptor maintenance factor; minus strand), PHF3 (PHD finger protein 3; plus strand). Cytogenetic location: 6q12.
Variant type: single nucleotide variant.
Coding change: c.8650T>A on transcript NM_001142800.2 (MANE Select); coding-DNA position 8650, T replaced by A.
Protein change: p.Cys2884Ser; replaces cysteine 2884 with serine.
Molecular consequence: missense variant. On other transcripts: 3 prime UTR variant (5).
Genome position (GRCh38, 1-based): chr6:63,721,381, A>T on the plus strand (T>A on the coding strand, the complement: EYS is on the minus strand). VCF-style: chr6-63721381-A-T. GRCh37 (hg19) VCF-style: chr6-64431277-A-T.
Other names: c.*7673A>T (NM_001290259.2, NM_001370348.2, NM_001370349.2 and 2 more transcripts); c.8713T>A, p.Cys2905Ser (NM_001292009.2); short protein forms C2905S, C2884S.
Identifiers: ClinVar variation 2127363 (VCV002127363.4), dbSNP rs1768381985, ClinGen allele CA364384287.

ClinVar aggregate classification (germline): Uncertain significance (1 of 4 stars; one submission).

Submission:

Labcorp Genetics (formerly Invitae), Labcorp
Classification: Uncertain significance. Last evaluated: 2022-04-17. Review status: criteria provided, single submitter. Criteria: Invitae Variant Classification Sherloc (09022015). Collection method: clinical testing. Allele origin: germline.
Comment: In summary, the available evidence is currently insufficient to determine the role of this variant in disease. Therefore, it has been classified as a Variant of Uncertain Significance. Algorithms developed to predict the effect of missense changes on protein structure and function are either unavailable or do not agree on the potential impact of this missense change (SIFT: "Deleterious"; PolyPhen-2: "Possibly Damaging"; Align-GVGD: "Class C0"). This variant has not been reported in the literature in individuals affected with EYS-related conditions. This variant is not present in population databases (gnomAD no frequency). This sequence change replaces cysteine, which is neutral and slightly polar, with serine, which is neutral and polar, at codon 2884 of the EYS protein (p.Cys2884Ser).